The following is an entry in ClinVar:

NM_005228.5(EGFR):c.3331C>T (p.His1111Tyr)

Gene: EGFR (epidermal growth factor receptor; plus strand). Cytogenetic location: 7p11.2.
Variant type: single nucleotide variant.
Coding change: c.3331C>T on transcript NM_005228.5 (MANE Select); coding-DNA position 3331, C replaced by T.
Protein change: p.His1111Tyr; replaces histidine 1111 with tyrosine.
Molecular consequence: missense variant.
Genome position (GRCh38, 1-based): chr7:55,205,315, C>T. VCF-style: chr7-55205315-C-T. GRCh37 (hg19) VCF-style: chr7-55273008-C-T.
Other names: c.3196C>T, p.His1066Tyr (NM_001346899.2); c.3172C>T, p.His1058Tyr (NM_001346900.2); c.2530C>T, p.His844Tyr (NM_001346941.2); short protein forms H1058Y, H1111Y, H1066Y, H844Y.
Identifiers: ClinVar variation 1485810 (VCV001485810.8), dbSNP rs2128975175, ClinGen allele CA367584384.

ClinVar aggregate classification (germline): Uncertain significance (1 of 4 stars; one submission).

Conditions:
EGFR-related lung cancer (EGFR). Identifiers: MedGen CN130014.

Allele frequency attached by ClinVar (database versions not stated): gnomAD exomes below 0.00001.
gnomAD v4.1: 2 of 1,612,306 alleles (0.00012%); highest among the groups gnomAD compares: Non-Finnish European, 0.00017%; no homozygotes.

Submission:

Labcorp Genetics (formerly Invitae), Labcorp
Classification: Uncertain significance for EGFR-related lung cancer. Last evaluated: 2021-03-25. Review status: criteria provided, single submitter. Criteria: Invitae Variant Classification Sherloc (09022015). Collection method: clinical testing. Allele origin: germline.
Comment: This variant is not present in population databases (ExAC no frequency). This variant has not been reported in the literature in individuals with EGFR-related conditions. Algorithms developed to predict the effect of missense changes on protein structure and function are either unavailable or do not agree on the potential impact of this missense change (SIFT: "Tolerated"; PolyPhen-2: "Possibly Damaging"; Align-GVGD: "Class C0"). In summary, the available evidence is currently insufficient to determine the role of this variant in disease. Therefore, it has been classified as a Variant of Uncertain Significance. This sequence change replaces histidine with tyrosine at codon 1111 of the EGFR protein (p.His1111Tyr). The histidine residue is weakly conserved and there is a moderate physicochemical difference between histidine and tyrosine.